The following is an entry in ClinVar:

ClinVar aggregate classification (germline): Uncertain significance. Review status: criteria provided, multiple submitters, no conflicts (2 of 4 stars). 3 submissions from 3 submitters: Uncertain significance (3). Last evaluated 2025-07-08.

Conditions:
Inborn genetic diseases. Identifiers: MedGen C0950123, MeSH D030342.
Osteogenesis imperfecta type 6. Also called: Osteogenesis imperfecta, type VI. Identifiers: Orphanet 666, MedGen C3279564, MONDO:0013515, OMIM 613982.

Allele frequency attached by ClinVar (database versions not stated): TOPMed 0.00002; 1000 Genomes Project 30x 0.00016; 1000 Genomes Project 0.00020.
gnomAD v4.1: 77 of 1,614,134 alleles (0.0048%); highest among the groups gnomAD compares: Non-Finnish European, 0.0058%; no homozygotes.

Submissions (3):

Ambry Genetics
Classification: Uncertain significance for Inborn genetic diseases. Last evaluated: 2025-07-08. Review status: criteria provided, single submitter. Criteria: Ambry Variant Classification Scheme 2023. Collection method: clinical testing. Allele origin: germline.

Labcorp Genetics (formerly Invitae), Labcorp
Classification: Uncertain significance. Last evaluated: 2022-05-15. Review status: criteria provided, single submitter. Criteria: Invitae Variant Classification Sherloc (09022015). Collection method: clinical testing. Allele origin: germline.
Comment: This sequence change replaces threonine, which is neutral and polar, with isoleucine, which is neutral and non-polar, at codon 371 of the SERPINF1 protein (p.Thr371Ile). This variant is present in population databases (rs201562844, gnomAD 0.004%). This variant has not been reported in the literature in individuals affected with SERPINF1-related conditions. ClinVar contains an entry for this variant (Variation ID: 322014). Algorithms developed to predict the effect of missense changes on protein structure and function are either unavailable or do not agree on the potential impact of this missense change (SIFT: "Not Available"; PolyPhen-2: "Benign"; Align-GVGD: "Not Available"). In summary, the available evidence is currently insufficient to determine the role of this variant in disease. Therefore, it has been classified as a Variant of Uncertain Significance.

Illumina Laboratory Services, Illumina
Classification: Uncertain significance for Osteogenesis imperfecta type 6. Last evaluated: 2018-01-13. Review status: criteria provided, single submitter. Criteria: ICSL Variant Classification Criteria 13 December 2019. Collection method: clinical testing. Allele origin: germline.

NM_002615.7(SERPINF1):c.1112C>T (p.Thr371Ile)

Gene: SERPINF1 (serpin family F member 1; plus strand). Cytogenetic location: 17p13.3.
Variant type: single nucleotide variant.
Coding change: c.1112C>T on transcript NM_002615.7 (MANE Select); coding-DNA position 1112, C replaced by T.
Protein change: p.Thr371Ile; replaces threonine 371 with isoleucine.
Molecular consequence: missense variant.
Genome position (GRCh38, 1-based): chr17:1,777,301, C>T. VCF-style: chr17-1777301-C-T. GRCh37 (hg19) VCF-style: chr17-1680595-C-T.
Other names: c.1112C>T, p.Thr371Ile (NM_001329903.2); c.551C>T, p.Thr184Ile (NM_001329904.2, NM_001329905.2); short protein forms T184I, T371I.
Identifiers: ClinVar variation 322014 (VCV000322014.7), dbSNP rs201562844, ClinGen allele CA8274961.